The following is an entry in ClinVar:

ClinVar aggregate classification (germline): Likely benign. Review status: criteria provided, multiple submitters, no conflicts (2 of 4 stars). 2 submissions from 2 submitters: Likely benign (2). Last evaluated 2025-04-08.

Conditions:
Tuberous sclerosis 1 (TSC1). Identifiers: Orphanet 805, MedGen C1854465, MONDO:0008612, OMIM 191100.

Submissions (2):

Myriad Genetics, Inc.
Classification: Likely benign for Tuberous sclerosis 1. Last evaluated: 2025-04-08. Review status: criteria provided, single submitter. Criteria: Myriad Autosomal Dominant, Autosomal Recessive and X-Linked Classification Criteria (2023). Collection method: clinical testing. Allele origin: unknown.
Comment: This variant is considered likely benign. This variant is intronic and is not expected to impact mRNA splicing.

Labcorp Genetics (formerly Invitae), Labcorp
Classification: Likely benign for Tuberous sclerosis 1. Last evaluated: 2023-07-31. Review status: criteria provided, single submitter. Criteria: Invitae Variant Classification Sherloc (09022015). Collection method: clinical testing. Allele origin: germline.

NM_000368.5(TSC1):c.508+9C>A

Gene: TSC1 (TSC complex subunit 1; minus strand). Cytogenetic location: 9q34.13.
Variant type: single nucleotide variant.
Coding change: c.508+9C>A on transcript NM_000368.5 (MANE Select); 9 bases into the intron after coding-DNA position 508, C replaced by A.
Molecular consequence: intron variant.
Genome position (GRCh38, 1-based): chr9:132,923,339, G>T on the plus strand (C>A on the coding strand, the complement: TSC1 is on the minus strand). VCF-style: chr9-132923339-G-T. GRCh37 (hg19) VCF-style: chr9-135798726-G-T.
Other names: c.145+9C>A (NM_001362177.2); c.355+9C>A (NM_001162427.2); c.508+9C>A (NM_001162426.2).
Identifiers: ClinVar variation 1653998 (VCV001653998.7), dbSNP rs528772865, ClinGen allele CA200901558.